The following is an entry in ClinVar:

ClinVar aggregate classification (germline): Benign/Likely benign (0 of 4 stars; one submission).

Submission:

GeneDx
Classification: Benign/Likely benign. Last evaluated: 2011-04-30. Review status: no assertion criteria provided. Collection method: clinical testing. Allele origin: not provided. Affected: yes. Observed: 3 variant alleles. Clinical features observed: Developmental delay AND/OR other significant developmental or morphological phenotypes.
Comment: Likely benign (1), Benign (2)

GRCh38/hg38 8q24.3(chr8:144132479-144277712)x3

Genes: BOP1 (BOP1 ribosomal biogenesis factor; minus strand), HGH1 (HGH1 homolog; plus strand), MIR7112 (microRNA 7112; minus strand), MROH1 (maestro heat like repeat family member 1; plus strand), SCX (scleraxis bHLH transcription factor; plus strand) and 10 more. Cytogenetic location: 8q24.3.
Variant type: copy number gain.
Change: copy number 3 (three copies instead of two) of chr8:144,132,479-144,277,712 (145.2 kb, GRCh38 coordinates, 1-based), cytogenetic band 8q24.3.
Identifiers: ClinVar variation 152213 (VCV000152213.1).